The following is an entry in ClinVar:

ClinVar aggregate classification (germline): Pathogenic (1 of 4 stars; one submission).

Conditions:
Arrhythmogenic cardiomyopathy with wooly hair and keratoderma. Also called: Carvajal syndrome; PALMOPLANTAR KERATODERMA WITH LEFT VENTRICULAR CARDIOMYOPATHY AND WOOLLY HAIR; Dilated cardiomyopathy with woolly hair and keratoderma; Arrhythmogenic cardiomyopathy with woolly hair and keratoderma. Identifiers: Orphanet 65282, MedGen C1854063, MONDO:0011581, OMIM 605676.
Arrhythmogenic right ventricular dysplasia 8 (ARVD8). Also called: Arrhythmogenic Right Ventricular Dysplasia/Cardiomyopathy 8; ARRHYTHMOGENIC RIGHT VENTRICULAR DYSPLASIA, FAMILIAL, 8; ARRHYTHMOGENIC RIGHT VENTRICULAR CARDIOMYOPATHY 8. Identifiers: MedGen C1843896, MONDO:0011831, OMIM 607450.

Submission:

Labcorp Genetics (formerly Invitae), Labcorp
Classification: Pathogenic for Arrhythmogenic cardiomyopathy with wooly hair and keratoderma; Arrhythmogenic right ventricular dysplasia 8. Last evaluated: 2025-11-10. Review status: criteria provided, single submitter. Criteria: Invitae Variant Classification Sherloc (09022015). Collection method: clinical testing. Allele origin: germline.
Comment: This sequence change creates a premature translational stop signal (p.Lys1136Glufs*2) in the DSP gene. It is expected to result in an absent or disrupted protein product. Loss-of-function variants in DSP are known to be pathogenic (PMID: 20716751, 24503780, 25227139, 30398466). This variant is not present in population databases (gnomAD no frequency). This variant has not been reported in the literature in individuals affected with DSP-related conditions. For these reasons, this variant has been classified as Pathogenic.

Literature cited by the submitters: PubMed 20716751; PubMed 24503780; PubMed 25227139; PubMed 30398466.

NM_004415.4(DSP):c.3405_3406del (p.Lys1136fs)

Gene: DSP (desmoplakin; plus strand). Cytogenetic location: 6p24.3.
Variant type: Deletion.
Coding change: c.3405_3406del on transcript NM_004415.4 (MANE Select); coding-DNA positions 3405 to 3406, 2 bases deleted (GA; older notation c.3405_3406delGA).
Protein change: p.Lys1136fs; shifts the reading frame from lysine 1136.
Molecular consequence: frameshift variant.
Genome position (GRCh38, 1-based): chr6:7,579,595-7,579,596, GA deleted; deleting any 2 consecutive bases within chr6:7,579,594-7,579,596 gives the same sequence; the c. name uses the placement nearest the transcript's 3' end. VCF-style (leftmost placement, unchanged base first): chr6-7579593-CAG-C. GRCh37 (hg19) VCF-style: chr6-7579826-CAG-C.
Other names: c.3405_3406del, p.Lys1136fs (NM_001008844.3, NM_001319034.2); short protein forms K1136fs.
Identifiers: ClinVar variation 4786456 (VCV004786456.1).
Genomic context (GRCh38, chr6:7,579,593, plus strand): 5'-ACTTATGAGATTGAAGATGAAAAGAGAAGAAGAAAATCTGTGGAAGACAGATTTGACCAA[CAG>C]AAGAATGACTATGACCAACTGCAGAAAGCAAGGCAATGTGAAAAGGAGAACCTTGGTTGG-3'